The following is an entry in ClinVar:

NM_000218.3(KCNQ1):c.723C>T (p.Val241=)

Gene: KCNQ1 (potassium voltage-gated channel subfamily Q member 1; plus strand). Cytogenetic location: 11p15.5.
Variant type: single nucleotide variant.
Coding change: c.723C>T on transcript NM_000218.3 (MANE Select); coding-DNA position 723, C replaced by T.
Protein change: p.Val241=; no amino-acid change (valine 241 retained).
Molecular consequence: synonymous variant. On other transcripts: intron variant (1).
Genome position (GRCh38, 1-based): chr11:2,572,052, C>T. VCF-style: chr11-2572052-C-T. GRCh37 (hg19) VCF-style: chr11-2593282-C-T.
Other names: c.723C>T, p.Val241= (NM_001406836.1); c.453C>T, p.Val151= (NM_001406837.1); c.342C>T, p.Val114= (NM_181798.2); c.478-11383C>T (NM_001406838.1).
Identifiers: ClinVar variation 629658 (VCV000629658.13), dbSNP rs1358413257, ClinGen allele CA472038063.

ClinVar aggregate classification (germline): Likely benign. Review status: criteria provided, multiple submitters, no conflicts (2 of 4 stars). 5 submissions from 5 submitters: Likely benign (5). Last evaluated 2025-02-10.

Conditions:
Long QT syndrome (LQTS). Identifiers: MedGen C0023976, MeSH D008133, MONDO:0002442. Disease mechanism: loss of function. Inheritance: Various modes of inheritance.
Cardiac arrhythmia. Also called: Arrhythmia; Cardiac rhythm disease. Identifiers: MedGen C0003811, MONDO:0007263, HP:0011675.

Allele frequency attached by ClinVar (database versions not stated): gnomAD exomes below 0.00001 and 0.00001; TOPMed 0.00002.
gnomAD v4.1: 17 of 1,612,946 alleles (0.0011%); highest among the groups gnomAD compares: East Asian, 0.0022%; no homozygotes.

Submissions (5):

Labcorp Genetics (formerly Invitae), Labcorp
Classification: Likely benign for Long QT syndrome. Last evaluated: 2025-02-10. Review status: criteria provided, single submitter. Criteria: Invitae Variant Classification Sherloc (09022015). Collection method: clinical testing. Allele origin: germline.

Blueprint Genetics
Classification: Likely benign. Last evaluated: 2024-08-30. Review status: criteria provided, single submitter. Criteria: ACMG Guidelines, 2015. Collection method: clinical testing. Allele origin: germline.

All of Us Research Program, National Institutes of Health
Classification: Likely benign for Long QT syndrome. Last evaluated: 2024-01-11. Review status: criteria provided, single submitter. Criteria: ACMG Guidelines, 2015. Collection method: clinical testing. Allele origin: germline. Inheritance: Autosomal dominant inheritance. Observed: 3 variant alleles, 3 heterozygotes.
Comment: This study involves interpretation of variants in research participants for the purpose of population health screening. Participant phenotype was not available at the time of variant classification. Additional details can be found in publication PMID: 35346344, PMCID: PMC8962531

GeneDx
Classification: Likely benign. Last evaluated: 2020-08-05. Review status: criteria provided, single submitter. Criteria: GeneDx Variant Classification Process June 2021. Collection method: clinical testing. Allele origin: germline. Affected: yes.

Color Diagnostics, LLC DBA Color Health
Classification: Likely benign for Arrhythmia. Last evaluated: 2018-10-17. Review status: criteria provided, single submitter. Criteria: ACMG Guidelines, 2015. Collection method: clinical testing. Allele origin: germline.